The following is an entry in ClinVar:

NM_005045.4(RELN):c.5784A>T (p.Gln1928His)

Gene: RELN (reelin; minus strand). Cytogenetic location: 7q22.1.
Variant type: single nucleotide variant.
Coding change: c.5784A>T on transcript NM_005045.4 (MANE Select); coding-DNA position 5784, A replaced by T.
Protein change: p.Gln1928His; replaces glutamine 1928 with histidine.
Molecular consequence: missense variant.
Genome position (GRCh38, 1-based): chr7:103,556,990, T>A on the plus strand (A>T on the coding strand, the complement: RELN is on the minus strand). VCF-style: chr7-103556990-T-A. GRCh37 (hg19) VCF-style: chr7-103197437-T-A.
Other names: c.5784A>T, p.Gln1928His (NM_173054.3); short protein forms Q1928H.
Identifiers: ClinVar variation 1990090 (VCV001990090.4), dbSNP rs1233167328, ClinGen allele CA368741186.

ClinVar aggregate classification (germline): Uncertain significance (1 of 4 stars; one submission).

Conditions:
Norman-Roberts syndrome (LIS2). Also called: Lissencephaly 2 (Norman-Roberts type). Identifiers: Orphanet 89844, MedGen C0796089, MONDO:0009760, OMIM 257320.
Familial temporal lobe epilepsy 7. Identifiers: Orphanet 101046, MedGen C4225327, MONDO:0014639, OMIM 616436.

Allele frequency attached by ClinVar (database versions not stated): TOPMed below 0.00001; gnomAD 0.00001.
gnomAD v4.1: 15 of 1,612,306 alleles (0.00093%); highest among the groups gnomAD compares: Non-Finnish European, 0.0013%; no homozygotes.

Submission:

Labcorp Genetics (formerly Invitae), Labcorp
Classification: Uncertain significance for Familial temporal lobe epilepsy 7; Norman-Roberts syndrome. Last evaluated: 2025-08-14. Review status: criteria provided, single submitter. Criteria: Invitae Variant Classification Sherloc (09022015). Collection method: clinical testing. Allele origin: germline.
Comment: This sequence change replaces glutamine, which is neutral and polar, with histidine, which is basic and polar, at codon 1928 of the RELN protein (p.Gln1928His). This variant is not present in population databases (gnomAD no frequency). This variant has not been reported in the literature in individuals affected with RELN-related conditions. ClinVar contains an entry for this variant (Variation ID: 1990090). Invitae Evidence Modeling of protein sequence and biophysical properties (such as structural, functional, and spatial information, amino acid conservation, physicochemical variation, residue mobility, and thermodynamic stability) indicates that this missense variant is not expected to disrupt RELN protein function with a negative predictive value of 80%. In summary, the available evidence is currently insufficient to determine the role of this variant in disease. Therefore, it has been classified as a Variant of Uncertain Significance.